The following is an entry in ClinVar:

ClinVar aggregate classification (germline): Likely benign (0 of 4 stars; one submission).

Conditions:
PGM1-related disorder. Also called: PGM1-related disorders; PGM1-related condition.

Allele frequency attached by ClinVar (database versions not stated): gnomAD exomes below 0.00001.
gnomAD v4.1: 1 of 1,613,930 alleles (0.000062%); highest among the groups gnomAD compares: South Asian, 0.0011%; no homozygotes.

Submission:

PreventionGenetics, part of Exact Sciences
Classification: Likely benign for PGM1-related condition. Last evaluated: 2021-08-04. Review status: no assertion criteria provided. Collection method: clinical testing. Allele origin: germline.
Comment: This variant is classified as likely benign based on ACMG/AMP sequence variant interpretation guidelines (Richards et al. 2015 PMID: 25741868, with internal and published modifications).

NM_002633.3(PGM1):c.1389C>T (p.Asp463=)

Gene: PGM1 (phosphoglucomutase 1; plus strand). Cytogenetic location: 1p31.3.
Variant type: single nucleotide variant.
Coding change: c.1389C>T on transcript NM_002633.3 (MANE Select); coding-DNA position 1389, C replaced by T.
Protein change: p.Asp463=; no amino-acid change (aspartic acid 463 retained).
Molecular consequence: synonymous variant.
Genome position (GRCh38, 1-based): chr1:63,651,777, C>T. VCF-style: chr1-63651777-C-T. GRCh37 (hg19) VCF-style: chr1-64117448-C-T.
Other names: c.1443C>T, p.Asp481= (NM_001172818.1); c.798C>T, p.Asp266= (NM_001172819.2).
Identifiers: ClinVar variation 3058157 (VCV003058157.2), dbSNP rs2523935457, ClinGen allele CA418198981.